The following is an entry in ClinVar:

ClinVar aggregate classification (germline): Uncertain significance (1 of 4 stars; one submission).

Submission:

Labcorp Genetics (formerly Invitae), Labcorp
Classification: Uncertain significance. Last evaluated: 2025-12-11. Review status: criteria provided, single submitter. Criteria: Invitae Variant Classification Sherloc (09022015). Collection method: clinical testing. Allele origin: germline.
Comment: This sequence change falls in intron 5 of the THPO gene. It does not directly change the encoded amino acid sequence of the THPO protein. Information on the frequency of this variant in the gnomAD database is not available, as this variant may be reported differently in the database. This variant has not been reported in the literature in individuals affected with THPO-related conditions. ClinVar contains an entry for this variant (Variation ID: 3675684). Experimental studies and prediction algorithms are not available or were not evaluated, and the effect of this variant on mRNA splicing is currently unknown. In summary, the available evidence is currently insufficient to determine the role of this variant in disease. Therefore, it has been classified as a Variant of Uncertain Significance.

NM_000460.4(THPO):c.396+15_396+16delinsTG

Gene: THPO (thrombopoietin; minus strand). Cytogenetic location: 3q27.1.
Variant type: Indel.
Coding change: c.396+15_396+16delinsTG on transcript NM_000460.4 (MANE Select); bases 15 to 16 of the intron after coding-DNA position 396, AA replaced by TG.
Molecular consequence: intron variant.
Genome position (GRCh38, 1-based): chr3:184,373,399-184,373,400, TT replaced by CA on the plus strand (AA replaced by TG on the coding strand, the reverse complement: THPO is on the minus strand). VCF-style: chr3-184373399-TT-CA. GRCh37 (hg19) VCF-style: chr3-184091187-TT-CA.
Other names: c.396+15_396+16delinsTG (NM_001290028.1, NM_001290026.1, NM_001290022.1 and 5 more transcripts); c.816+15_816+16delinsTG (NM_001290003.1).
Identifiers: ClinVar variation 3675684 (VCV003675684.2).